The following is an entry in ClinVar:

NM_007294.4(BRCA1):c.189A>G (p.Leu63=)

Gene: BRCA1 (BRCA1 DNA repair associated; minus strand). Cytogenetic location: 17q21.31.
Variant type: single nucleotide variant.
Coding change: c.189A>G on transcript NM_007294.4 (MANE Select); coding-DNA position 189, A replaced by G.
Protein change: p.Leu63=; no amino-acid change (leucine 63 retained).
Molecular consequence: synonymous variant. On other transcripts: missense variant (61), initiator codon variant (61), intron variant (34).
Genome position (GRCh38, 1-based): chr17:43,106,479, T>C on the plus strand (A>G on the coding strand, the complement: BRCA1 is on the minus strand). VCF-style: chr17-43106479-T-C. GRCh37 (hg19) VCF-style: chr17-41258496-T-C.
Other names: c.189A>G, p.Leu63= (NM_001407638.1, NM_001407639.1, NM_001407640.1 and 168 more transcripts); c.48A>G, p.Leu16= (NM_001407692.1, NM_001407694.1, NM_001407695.1 and 99 more transcripts); c.1A>G, p.Met1Val (NM_001407853.1, NM_001407879.1, NM_001407881.1 and 58 more transcripts); c.-218-11619A>G (NM_001407967.1, NM_001407966.1); c.-169-1523A>G (NM_001407959.1, NM_001407962.1, NM_001408512.1 and 4 more transcripts); c.81-1523A>G (NM_001408451.1); c.135-1523A>G (NM_001408475.1, NM_001407875.1, NM_001407659.1 and 21 more transcripts); short protein forms M1V.
Identifiers: ClinVar variation 867316 (VCV000867316.8), dbSNP rs80356956, ClinGen allele CA500128117.

ClinVar aggregate classification (germline): Likely benign. Review status: criteria provided, single submitter (1 of 4 stars). 2 submissions from 2 submitters: Likely benign (1). 1 of the submissions does not count toward it. Last evaluated 2025-07-06.

Conditions:
Hereditary breast ovarian cancer syndrome. Also called: Hereditary breast and/or ovarian cancer syndrome; BRCA1- and BRCA2-Associated Hereditary Breast and Ovarian Cancer; Hereditary breast and ovarian cancer syndrome; Hereditary breast and ovarian cancer; Hereditary breast and ovarian cancer syndrome (HBOC); Breast and ovarian cancer. Identifiers: Orphanet 145, MedGen C0677776, MeSH D061325, MONDO:0003582. Disease mechanism: loss of function.
BRCA1-related disorder. Also called: BRCA1-related condition.

Submissions (3):

Labcorp Genetics (formerly Invitae), Labcorp
Classification: Likely benign for Hereditary breast ovarian cancer syndrome. Last evaluated: 2025-07-06. Review status: criteria provided, single submitter. Criteria: Invitae Variant Classification Sherloc (09022015). Collection method: clinical testing. Allele origin: germline.

PreventionGenetics, part of Exact Sciences
Classification: Likely benign for BRCA1-related condition. Last evaluated: 2024-03-06. Review status: no assertion criteria provided. Collection method: clinical testing. Allele origin: germline. Not counted in ClinVar's aggregate classification.
Comment: This variant is classified as likely benign based on ACMG/AMP sequence variant interpretation guidelines (Richards et al. 2015 PMID: 25741868, with internal and published modifications).

Brotman Baty Institute, University of Washington
No classification provided (evidence only). Condition: Breast-ovarian cancer, familial 1. Review status: no classification provided. Collection method: in vitro. Allele origin: not applicable. Functional consequence: functionally_normal. Not counted in ClinVar's aggregate classification.
ClinVar note: "not provided" was previously submitted as the classification for the variant. However, the classification appeared to be based only on an observation of functional data so it was converted to no classification on 2025-07-30.